The following is an entry in ClinVar:

NM_000059.4(BRCA2):c.3713T>G (p.Val1238Gly)

Gene: BRCA2 (BRCA2 DNA repair associated; plus strand). Cytogenetic location: 13q13.1.
Variant type: single nucleotide variant.
Coding change: c.3713T>G on transcript NM_000059.4 (MANE Select); coding-DNA position 3713, T replaced by G.
Protein change: p.Val1238Gly; replaces valine 1238 with glycine.
Molecular consequence: missense variant. On other transcripts: non-coding transcript variant (1), intron variant (2).
Genome position (GRCh38, 1-based): chr13:32,338,068, T>G. VCF-style: chr13-32338068-T-G. GRCh37 (hg19) VCF-style: chr13-32912205-T-G.
Other names: c.3713T>G, p.Val1238Gly (NM_001406719.1, NM_001406720.1, NM_001432077.1); c.1909+4681T>G (NM_001406721.1); c.425-6490T>G (NM_001406722.1); short protein forms V1238G.
Identifiers: ClinVar variation 4856451 (VCV004856451.1).

ClinVar aggregate classification (germline): Likely benign (1 of 4 stars; one submission).

Conditions:
Breast-ovarian cancer, familial, susceptibility to, 2 (BROVCA2). Also called: BRCA2 Hereditary Breast and Ovarian Cancer. Identifiers: Orphanet 145, MedGen C2675520, MONDO:0012933, OMIM 612555. Disease mechanism: loss of function.

gnomAD v4.1: 1 of 1,611,664 alleles (0.000062%); highest among the groups gnomAD compares: South Asian, 0.0011%; no homozygotes.

Submission:

Cancer Bioinformatics and Tumour Evolution Laboratory, Monash University
Classification: Likely benign for Breast-ovarian cancer, familial, susceptibility to, 2. Last evaluated: 2026-05-01. Review status: criteria provided, single submitter. Criteria: ClinGen BRCA1 and BRCA2 Guidelines, 2024. Collection method: curation. Allele origin: germline. Inheritance: Autosomal dominant inheritance.
Comment: Missense variant outside of a functional domain with no splice impact. BRCA1 and BRCA2 VCEP guidelines recommend application of BP1_Strong (PMID: 39142283)